The following is an entry in ClinVar:

NM_002439.5(MSH3):c.2951ATG[1] (p.Asp985del)

Gene: MSH3 (mutS homolog 3; plus strand). Cytogenetic location: 5q14.1.
Variant type: Microsatellite.
Coding change: c.2951ATG[1] on transcript NM_002439.5 (MANE Select); one copy of the 3-base unit ATG starting at c.2951; the reference has two copies in a row; one copy, 3 bases deleted.
Protein change: p.Asp985del; deletes aspartic acid 985.
Molecular consequence: inframe deletion.
Genome position (GRCh38, 1-based): chr5:80,854,270-80,854,272, ATG deleted; deleting any 3 consecutive bases within chr5:80,854,267-80,854,272 gives the same sequence; the position shown is the placement nearest the transcript's 3' end. VCF-style (leftmost placement, unchanged base first): chr5-80854266-CATG-C. GRCh37 (hg19) VCF-style: chr5-80150085-CATG-C.
Other names: short protein forms D985del.
Identifiers: ClinVar variation 1489887 (VCV001489887.8), dbSNP rs2112106585, ClinGen allele CA2580613591.

ClinVar aggregate classification (germline): Uncertain significance (1 of 4 stars; one submission).

Submission:

Labcorp Genetics (formerly Invitae), Labcorp
Classification: Uncertain significance. Last evaluated: 2021-06-03. Review status: criteria provided, single submitter. Criteria: Invitae Variant Classification Sherloc (09022015). Collection method: clinical testing. Allele origin: germline.
Comment: In summary, the available evidence is currently insufficient to determine the role of this variant in disease. Therefore, it has been classified as a Variant of Uncertain Significance. This variant, c.2954_2956del, results in the deletion of 1 amino acid(s) of the MSH3 protein (p.Asp985del), but otherwise preserves the integrity of the reading frame. This variant is not present in population databases (ExAC no frequency). This variant has not been reported in the literature in individuals with MSH3-related conditions. Experimental studies and prediction algorithms are not available or were not evaluated, and the functional significance of this variant is currently unknown.